The following is an entry in ClinVar:

ClinVar aggregate classification (germline): Uncertain significance (1 of 4 stars; one submission).

Conditions:
Hereditary cancer-predisposing syndrome. Also called: Hereditary Cancer Syndrome; Neoplastic Syndromes, Hereditary; Tumor predisposition; Hereditary neoplastic syndrome. Identifiers: Orphanet 140162, MedGen C0027672, MeSH D009386, MONDO:0015356.

Submission:

Ambry Genetics
Classification: Uncertain significance for Hereditary cancer-predisposing syndrome. Last evaluated: 2026-07-06. Review status: criteria provided, single submitter. Criteria: Ambry Variant Classification Scheme 2023. Collection method: clinical testing. Allele origin: germline.
Comment: The p.H729D variant (also known as c.2185C>G), located in coding exon 13 of the DICER1 gene, results from a C to G substitution at nucleotide position 2185. The histidine at codon 729 is replaced by aspartic acid, an amino acid with similar properties. This amino acid position is conserved. In addition, the in silico prediction for this alteration is inconclusive. Based on the available evidence, the clinical significance of this variant remains unclear.

NM_177438.3(DICER1):c.2185C>G (p.His729Asp)

Gene: DICER1 (dicer 1, ribonuclease III; minus strand). Cytogenetic location: 14q32.13.
Variant type: single nucleotide variant.
Coding change: c.2185C>G on transcript NM_177438.3 (MANE Select); coding-DNA position 2185, C replaced by G.
Protein change: p.His729Asp; replaces histidine 729 with aspartic acid.
Molecular consequence: missense variant. On other transcripts: non-coding transcript variant (6).
Genome position (GRCh38, 1-based): chr14:95,111,388, G>C on the plus strand (C>G on the coding strand, the complement: DICER1 is on the minus strand). VCF-style: chr14-95111388-G-C. GRCh37 (hg19) VCF-style: chr14-95577725-G-C.
Other names: c.2185C>G, p.His729Asp (NM_001195573.1, NM_001271282.3, NM_001291628.2 and 12 more transcripts); c.1903C>G, p.His635Asp (NM_001395686.1); c.1780C>G, p.His594Asp (NM_001395687.1, NM_001395688.1, NM_001395689.1 and 3 more transcripts); c.1618C>G, p.His540Asp (NM_001395691.1); c.502C>G, p.His168Asp (NM_001395697.1); short protein forms H168D, H594D, H729D, H635D, H540D.
Identifiers: ClinVar variation 5035252 (VCV005035252.1).